The following is an entry in ClinVar:

NM_006642.5(SDCCAG8):c.195G>T (p.Trp65Cys)

Gene: SDCCAG8 (SHH signaling and ciliogenesis regulator SDCCAG8; plus strand). Cytogenetic location: 1q43.
Variant type: single nucleotide variant.
Coding change: c.195G>T on transcript NM_006642.5 (MANE Select); coding-DNA position 195, G replaced by T.
Protein change: p.Trp65Cys; replaces tryptophan 65 with cysteine.
Molecular consequence: missense variant. On other transcripts: 5 prime UTR variant (4).
Genome position (GRCh38, 1-based): chr1:243,270,232, G>T. VCF-style: chr1-243270232-G-T. GRCh37 (hg19) VCF-style: chr1-243433534-G-T.
Other names: c.-918G>T (NM_001350246.2); c.-806G>T (NM_001350247.2); c.195G>T, p.Trp65Cys (NM_001350248.2); c.-100G>T (NM_001350249.2); c.-1179G>T (NM_001350251.2); short protein forms W65C.
Identifiers: ClinVar variation 3353163 (VCV003353163.1).

ClinVar aggregate classification (germline): Uncertain significance (0 of 4 stars; one submission).

Conditions:
SDCCAG8-related disorder. Also called: SDCCAG8-Related Disorders; SDCCAG8-related condition.

Submission:

PreventionGenetics, part of Exact Sciences
Classification: Uncertain significance for SDCCAG8-related condition. Last evaluated: 2024-08-07. Review status: no assertion criteria provided. Collection method: clinical testing. Allele origin: germline.
Comment: The SDCCAG8 c.195G>T variant is predicted to result in the amino acid substitution p.Trp65Cys. To our knowledge, this variant has not been reported in the literature or in a large population database, indicating this variant is rare. At this time, the clinical significance of this variant is uncertain due to the absence of conclusive functional and genetic evidence.